The following is an entry in ClinVar:

ClinVar aggregate classification (germline): Uncertain significance. Review status: criteria provided, multiple submitters, no conflicts (2 of 4 stars). 2 submissions from 2 submitters: Uncertain significance (2). Last evaluated 2023-06-08.

gnomAD v4.1: 20 of 1,613,876 alleles (0.0012%); highest among the groups gnomAD compares: East Asian, 0.0022%; no homozygotes.

Submissions (2):

Revvity Omics, Revvity
Classification: Uncertain significance. Last evaluated: 2023-06-08. Review status: criteria provided, single submitter. Criteria: ACMG Guidelines, 2015. Collection method: clinical testing. Allele origin: germline.

Labcorp Genetics (formerly Invitae), Labcorp
Classification: Uncertain significance. Last evaluated: 2022-07-25. Review status: criteria provided, single submitter. Criteria: Invitae Variant Classification Sherloc (09022015). Collection method: clinical testing. Allele origin: germline.
Comment: This variant is present in population databases (rs752575604, gnomAD 0.005%). This variant has not been reported in the literature in individuals affected with COL4A1-related conditions. Advanced modeling of protein sequence and biophysical properties (such as structural, functional, and spatial information, amino acid conservation, physicochemical variation, residue mobility, and thermodynamic stability) performed at Invitae indicates that this missense variant is not expected to disrupt COL4A1 protein function. In summary, the available evidence is currently insufficient to determine the role of this variant in disease. Therefore, it has been classified as a Variant of Uncertain Significance. This sequence change replaces valine, which is neutral and non-polar, with isoleucine, which is neutral and non-polar, at codon 1659 of the COL4A1 protein (p.Val1659Ile).

NM_001845.6(COL4A1):c.4975G>A (p.Val1659Ile)

Gene: COL4A1 (collagen type IV alpha 1 chain; minus strand). Cytogenetic location: 13q34.
Variant type: single nucleotide variant.
Coding change: c.4975G>A on transcript NM_001845.6 (MANE Select); coding-DNA position 4975, G replaced by A.
Protein change: p.Val1659Ile; replaces valine 1659 with isoleucine.
Molecular consequence: missense variant.
Genome position (GRCh38, 1-based): chr13:110,150,398, C>T on the plus strand (G>A on the coding strand, the complement: COL4A1 is on the minus strand). VCF-style: chr13-110150398-C-T. GRCh37 (hg19) VCF-style: chr13-110802745-C-T.
Other names: short protein forms V1659I.
Identifiers: ClinVar variation 2163782 (VCV002163782.7), dbSNP rs752575604, ClinGen allele CA7046737.